The following is an entry in ClinVar:

ClinVar aggregate classification (germline): Uncertain significance. Review status: criteria provided, multiple submitters, no conflicts (2 of 4 stars). 5 submissions from 5 submitters: Uncertain significance (3). 2 of the submissions do not count toward it. Last evaluated 2024-12-31.

Conditions:
Inborn genetic diseases. Identifiers: MedGen C0950123, MeSH D030342.
Autosomal recessive nonsyndromic hearing loss 18A. Also called: DEAFNESS, AUTOSOMAL RECESSIVE 18; Deafness, autosomal recessive 18A. Identifiers: Orphanet 90636, MedGen C1865870, MONDO:0011192, OMIM 602092.
Usher syndrome type 1C. Also called: USHER SYNDROME, TYPE I, ACADIAN VARIETY. Identifiers: Orphanet 231169, Orphanet 886, MedGen C1848604, MONDO:0010171, OMIM 276904.

Allele frequency attached by ClinVar (database versions not stated): gnomAD exomes 0.00001 and 0.00003; ExAC 0.00003; gnomAD 0.00013 and 0.00014; TOPMed 0.00013; ESP Exome Variant Server 0.00023.
gnomAD v4.1: 30 of 1,613,582 alleles (0.0019%); highest among the groups gnomAD compares: African/African-American, 0.036%; no homozygotes.

Submissions (5):

Ambry Genetics
Classification: Uncertain significance for Inborn genetic diseases. Last evaluated: 2024-12-31. Review status: criteria provided, single submitter. Criteria: Ambry Variant Classification Scheme 2023. Collection method: clinical testing. Allele origin: germline.

Labcorp Genetics (formerly Invitae), Labcorp
Classification: Uncertain significance. Last evaluated: 2022-07-03. Review status: criteria provided, single submitter. Criteria: Invitae Variant Classification Sherloc (09022015). Collection method: clinical testing. Allele origin: germline.
Comment: This sequence change replaces lysine, which is basic and polar, with glutamic acid, which is acidic and polar, at codon 432 of the USH1C protein (p.Lys432Glu). This variant is present in population databases (rs148168494, gnomAD 0.05%). This variant has not been reported in the literature in individuals affected with USH1C-related conditions. ClinVar contains an entry for this variant (Variation ID: 47994). Algorithms developed to predict the effect of missense changes on protein structure and function are either unavailable or do not agree on the potential impact of this missense change (SIFT: "Deleterious"; PolyPhen-2: "Benign"; Align-GVGD: "Class C0"). In summary, the available evidence is currently insufficient to determine the role of this variant in disease. Therefore, it has been classified as a Variant of Uncertain Significance.

Laboratory for Molecular Medicine, Mass General Brigham Personalized Medicine
Classification: Uncertain significance. Last evaluated: 2011-11-08. Review status: criteria provided, single submitter. Criteria: LMM Criteria. Collection method: clinical testing. Allele origin: germline. Observed: 1 variant allele.
Comment: Variant classified as Uncertain Significance - Favor Benign. The Lys732Glu varia nt in USH1C has not been reported in the literature nor previously identified by our laboratory. However, this variant was observed in a broad population (dbSN P rs148168494) suggesting it could occur with reasonable frequency in the genera l population. Computational analyses (biochemical amino acid properties, homolog y, PolyPhen2, SIFT, AlignGVGD) do not provide strong support for or against path ogenicity. In summary, the clinical significance of this variant cannot be deter mined at this time; however, based on identification of this variant in this ind ividual who has another cause for their clinical features and in dbSNP we would lean towards a more likely benign role.

Natera, Inc.
Classification: Uncertain significance for Usher syndrome type 1C. Last evaluated: 2020-07-08. Review status: no assertion criteria provided. Collection method: clinical testing. Allele origin: germline. Not counted in ClinVar's aggregate classification.

Counsyl
Classification: Uncertain significance for Usher syndrome type 1C; Autosomal recessive nonsyndromic hearing loss 18A. Last evaluated: 2017-04-24. Review status: no assertion criteria provided. Collection method: clinical testing. Allele origin: unknown. Not counted in ClinVar's aggregate classification.

NM_153676.4(USH1C):c.2194A>G (p.Lys732Glu)

Gene: USH1C (USH1 protein network component harmonin; minus strand). Cytogenetic location: 11p15.1.
Variant type: single nucleotide variant.
Coding change: c.2194A>G on transcript NM_153676.4 (MANE Select); coding-DNA position 2194, A replaced by G.
Protein change: p.Lys732Glu; replaces lysine 732 with glutamic acid.
Molecular consequence: missense variant. On other transcripts: non-coding transcript variant (1).
Genome position (GRCh38, 1-based): chr11:17,501,971, T>C on the plus strand (A>G on the coding strand, the complement: USH1C is on the minus strand). VCF-style: chr11-17501971-T-C. GRCh37 (hg19) VCF-style: chr11-17523518-T-C.
Other names: c.1237A>G, p.Lys413Glu (NM_001297764.2); c.1294A>G, p.Lys432Glu (NM_005709.4); short protein forms K432E, K732E, K413E.
Identifiers: ClinVar variation 47994 (VCV000047994.10), dbSNP rs148168494, ClinGen allele CA142325.